The following is an entry in ClinVar:

NM_012470.4(TNPO3):c.1951A>G (p.Lys651Glu)

Gene: TNPO3 (transportin 3; minus strand). Cytogenetic location: 7q32.1.
Variant type: single nucleotide variant.
Coding change: c.1951A>G on transcript NM_012470.4 (MANE Select); coding-DNA position 1951, A replaced by G.
Protein change: p.Lys651Glu; replaces lysine 651 with glutamic acid.
Molecular consequence: missense variant. On other transcripts: non-coding transcript variant (14), intron variant (1).
Genome position (GRCh38, 1-based): chr7:128,979,093, T>C on the plus strand (A>G on the coding strand, the complement: TNPO3 is on the minus strand). VCF-style: chr7-128979093-T-C. GRCh37 (hg19) VCF-style: chr7-128619147-T-C.
Other names: c.1759A>G, p.Lys587Glu (NM_001191028.3, NM_001382223.1); c.2053A>G, p.Lys685Glu (NM_001382216.1); c.2032A>G, p.Lys678Glu (NM_001382217.1); c.1951A>G, p.Lys651Glu (NM_001382218.1); c.1843A>G, p.Lys615Glu (NM_001382219.1); c.1807A>G, p.Lys603Glu (NM_001382221.1); c.1804A>G, p.Lys602Glu (NM_001382222.1); c.1920+878A>G (NM_001382220.1); short protein forms K685E, K678E, K651E, K587E, K602E, K603E, K615E.
Identifiers: ClinVar variation 3701490 (VCV003701490.2).

ClinVar aggregate classification (germline): Uncertain significance (1 of 4 stars; one submission).

Conditions:
Autosomal dominant limb-girdle muscular dystrophy type 1F (LGMDD2). Also called: MUSCULAR DYSTROPHY, LIMB-GIRDLE, AUTOSOMAL DOMINANT 2; Limb-girdle muscular dystrophy, type 1F. Identifiers: Orphanet 55595, MedGen C1842062, MONDO:0012034, OMIM 608423.

gnomAD v4.1: 1 of 1,614,148 alleles (0.000062%); highest among the groups gnomAD compares: Non-Finnish European, 0.000085%; no homozygotes.

Submission:

Labcorp Genetics (formerly Invitae), Labcorp
Classification: Uncertain significance for Autosomal dominant limb-girdle muscular dystrophy type 1F. Last evaluated: 2024-02-11. Review status: criteria provided, single submitter. Criteria: Invitae Variant Classification Sherloc (09022015). Collection method: clinical testing. Allele origin: germline.
Comment: This sequence change replaces lysine, which is basic and polar, with glutamic acid, which is acidic and polar, at codon 651 of the TNPO3 protein (p.Lys651Glu). This variant is not present in population databases (gnomAD no frequency). This variant has not been reported in the literature in individuals affected with TNPO3-related conditions. Advanced modeling of protein sequence and biophysical properties (such as structural, functional, and spatial information, amino acid conservation, physicochemical variation, residue mobility, and thermodynamic stability) performed at Invitae indicates that this missense variant is not expected to disrupt TNPO3 protein function with a negative predictive value of 80%. In summary, the available evidence is currently insufficient to determine the role of this variant in disease. Therefore, it has been classified as a Variant of Uncertain Significance.